The following is an entry in ClinVar:

NM_001081.4(CUBN):c.8906-2A>C

Gene: CUBN (cubilin; minus strand). Cytogenetic location: 10p13.
Variant type: single nucleotide variant.
Coding change: c.8906-2A>C on transcript NM_001081.4 (MANE Select); the canonical splice acceptor site of the intron before coding-DNA position 8906, A replaced by C.
Molecular consequence: splice acceptor variant.
Genome position (GRCh38, 1-based): chr10:16,877,099, T>G on the plus strand (A>C on the coding strand, the complement: CUBN is on the minus strand). VCF-style: chr10-16877099-T-G. GRCh37 (hg19) VCF-style: chr10-16919098-T-G.
Identifiers: ClinVar variation 3907672 (VCV003907672.1).

ClinVar aggregate classification (germline): Pathogenic (1 of 4 stars; one submission).

Conditions:
Proteinuria, chronic benign. Identifiers: MedGen C5394384, MONDO:0030042, OMIM 618884.

gnomAD v4.1: 8 of 1,612,444 alleles (0.0005%); highest among the groups gnomAD compares: Non-Finnish European, 0.00068%; no homozygotes.

Submission:

MVZ Medizinische Genetik Mainz
Classification: Pathogenic for Proteinuria, chronic benign. Last evaluated: 2024-09-20. Review status: criteria provided, single submitter. Criteria: UK Practice Guidelines For Variant Classification V4 01 2020. Collection method: clinical testing. Allele origin: germline. Inheritance: Autosomal recessive inheritance. Affected: yes. Observed: 1 variant allele.
Comment: ACMG Criteria: PVS1,PM2_SUP,PM3_SUP,PP4